The following is an entry in ClinVar:

NM_004371.4(COPA):c.1077-7T>G

Gene: COPA (coat protein complex I subunit alpha; minus strand). Cytogenetic location: 1q23.2.
Variant type: single nucleotide variant.
Coding change: c.1077-7T>G on transcript NM_004371.4 (MANE Select); 7 bases into the intron before coding-DNA position 1077, T replaced by G.
Molecular consequence: intron variant.
Genome position (GRCh38, 1-based): chr1:160,310,265, A>C on the plus strand (T>G on the coding strand, the complement: COPA is on the minus strand). VCF-style: chr1-160310265-A-C. GRCh37 (hg19) VCF-style: chr1-160280055-A-C.
Other names: c.1077-7T>G (NM_001098398.2).
Identifiers: ClinVar variation 4699574 (VCV004699574.1).

ClinVar aggregate classification (germline): Uncertain significance (1 of 4 stars; one submission).

Conditions:
Autoimmune interstitial lung disease-arthritis syndrome. Also called: Autoinflammation and autoimmunity, systemic, with immune dysregulation. Identifiers: Orphanet 444092, MedGen C5975714, MONDO:0014629.

gnomAD v4.1: 2 of 1,569,046 alleles (0.00013%); highest among the groups gnomAD compares: Admixed American, 0.0019%; no homozygotes.

Submission:

Labcorp Genetics (formerly Invitae), Labcorp
Classification: Uncertain significance for Autoimmune interstitial lung disease-arthritis syndrome. Last evaluated: 2026-01-01. Review status: criteria provided, single submitter. Criteria: Invitae Variant Classification Sherloc (09022015). Collection method: clinical testing. Allele origin: germline.
Comment: This sequence change falls in intron 11 of the COPA gene. It does not directly change the encoded amino acid sequence of the COPA protein. This variant is present in population databases (no rsID available, gnomAD 0.004%). This variant has not been reported in the literature in individuals affected with COPA-related conditions. Algorithms developed to predict the effect of sequence changes on RNA splicing suggest that this variant may disrupt the consensus splice site. In summary, the available evidence is currently insufficient to determine the role of this variant in disease. Therefore, it has been classified as a Variant of Uncertain Significance.